The following is an entry in ClinVar:

NM_000171.4(GLRA1):c.1295T>C (p.Met432Thr)

Gene: GLRA1 (glycine receptor alpha 1; minus strand). Cytogenetic location: 5q33.1.
Variant type: single nucleotide variant.
Coding change: c.1295T>C on transcript NM_000171.4 (MANE Select); coding-DNA position 1295, T replaced by C.
Protein change: p.Met432Thr; replaces methionine 432 with threonine.
Molecular consequence: missense variant.
Genome position (GRCh38, 1-based): chr5:151,822,728, A>G on the plus strand (T>C on the coding strand, the complement: GLRA1 is on the minus strand). VCF-style: chr5-151822728-A-G. GRCh37 (hg19) VCF-style: chr5-151202289-A-G.
Other names: c.1319T>C, p.Met440Thr (NM_001146040.2); c.1046T>C, p.Met349Thr (NM_001292000.2); short protein forms M432T, M440T, M349T.
Identifiers: ClinVar variation 532839 (VCV000532839.14), dbSNP rs1284734503, ClinGen allele CA361849732.

ClinVar aggregate classification (germline): Uncertain significance. Review status: criteria provided, multiple submitters, no conflicts (2 of 4 stars). 4 submissions from 4 submitters: Uncertain significance (4). Last evaluated 2024-11-24.

Conditions:
Hereditary hyperekplexia. Identifiers: Orphanet 3197, MedGen C4084968, MONDO:0021022.
Hyperekplexia 1 (STHE). Also called: EXAGGERATED STARTLE REACTION; HYPEREKPLEXIA 1, AUTOSOMAL DOMINANT; HYPEREKPLEXIA 1, AUTOSOMAL RECESSIVE; KOK DISEASE; STARTLE DISEASE, FAMILIAL; STIFF-BABY SYNDROME. Identifiers: Orphanet 3197, MedGen C4551954, MONDO:0007868, OMIM 149400.
Inborn genetic diseases. Identifiers: MedGen C0950123, MeSH D030342.

Allele frequency attached by ClinVar (database versions not stated): gnomAD exomes below 0.00001; gnomAD 0.00003 and 0.00004; TOPMed 0.00005.
gnomAD v4.1: 8 of 1,613,770 alleles (0.0005%); highest among the groups gnomAD compares: African/African-American, 0.0093%; no homozygotes.

Submissions (4):

Labcorp Genetics (formerly Invitae), Labcorp
Classification: Uncertain significance for Hereditary hyperekplexia. Last evaluated: 2024-11-24. Review status: criteria provided, single submitter. Criteria: Invitae Variant Classification Sherloc (09022015). Collection method: clinical testing. Allele origin: germline.
Comment: This sequence change replaces methionine, which is neutral and non-polar, with threonine, which is neutral and polar, at codon 432 of the GLRA1 protein (p.Met432Thr). The frequency data for this variant in the population databases is considered unreliable, as metrics indicate poor data quality at this position in the gnomAD database. This variant has not been reported in the literature in individuals affected with GLRA1-related conditions. ClinVar contains an entry for this variant (Variation ID: 532839). Invitae Evidence Modeling of protein sequence and biophysical properties (such as structural, functional, and spatial information, amino acid conservation, physicochemical variation, residue mobility, and thermodynamic stability) indicates that this missense variant is not expected to disrupt GLRA1 protein function with a negative predictive value of 80%. In summary, the available evidence is currently insufficient to determine the role of this variant in disease. Therefore, it has been classified as a Variant of Uncertain Significance.

Women's Health and Genetics/Laboratory Corporation of America, LabCorp
Classification: Uncertain significance. Last evaluated: 2024-06-11. Review status: criteria provided, single submitter. Criteria: LabCorp Variant Classification Summary - May 2015. Collection method: clinical testing. Allele origin: germline.
Comment: Variant summary: GLRA1 c.1295T>C (p.Met432Thr) results in a non-conservative amino acid change in the encoded protein sequence. Three of five in-silico tools predict a damaging effect of the variant on protein function. The variant allele was found at a frequency of 4e-06 in 251298 control chromosomes. The available data on variant occurrences in the general population are insufficient to allow any conclusion about variant significance. To our knowledge, no occurrence of c.1295T>C in individuals affected with Hyperekplexia 1 and no experimental evidence demonstrating its impact on protein function have been reported. ClinVar contains an entry for this variant (Variation ID: 532839). Based on the evidence outlined above, the variant was classified as uncertain significance.

Ambry Genetics
Classification: Uncertain significance for Inborn genetic diseases. Last evaluated: 2023-03-20. Review status: criteria provided, single submitter. Criteria: Ambry Variant Classification Scheme 2023. Collection method: clinical testing. Allele origin: germline.

New York Genome Center
Classification: Uncertain significance for Hyperekplexia 1. Last evaluated: 2021-04-29. Review status: criteria provided, single submitter. Criteria: NYGC Assertion Criteria 2020. Collection method: clinical testing. Allele origin: germline. Observed: 1 heterozygote. Study: CSER-NYCKidSeq.